The following is an entry in ClinVar:

NC_000011.10:g.1999869C>T

Genes: H19 (H19 imprinted maternally expressed transcript; minus strand), H19-ICR (H19/IGF2 imprinting control region; plus strand), MRPL23 (mitochondrial ribosomal protein L23; plus strand). Cytogenetic location: 11p15.5.
Variant type: single nucleotide variant.
Molecular consequence: intron variant (on NM_001400176.1).
Genome position: GRCh38 VCF-style: chr11-1999869-C-T. GRCh37 (hg19) VCF-style: chr11-2021099-C-T.
Other names: c.498-11672C>T (NM_001400176.1).
Identifiers: ClinVar variation 3356155 (VCV003356155.1).
Genomic context (GRCh38, chr11:1,999,869, plus strand): 5'-TGGATAATGCCCGACCTGAAGATCTGGTGCGGCTCCCATGAGTGTCCTATTCCCAGATGA[C>T]CCCCGTGAACCCTGCGACGCGTGGCTTGGGTGACCCGGGACGTTTCCACGGGCGAACCCC-3'

ClinVar aggregate classification (germline): Likely benign (0 of 4 stars; one submission).

Conditions:
H19-related disorder. Also called: H19-related condition.

Submission:

PreventionGenetics, part of Exact Sciences
Classification: Likely benign for H19-related condition. Last evaluated: 2024-05-31. Review status: no assertion criteria provided. Collection method: clinical testing. Allele origin: germline.
Comment: This variant is classified as likely benign based on ACMG/AMP sequence variant interpretation guidelines (Richards et al. 2015 PMID: 25741868, with internal and published modifications).